The following is an entry in ClinVar:

ClinVar aggregate classification (germline): Likely pathogenic. Review status: criteria provided, multiple submitters, no conflicts (2 of 4 stars). 3 submissions from 3 submitters: Likely pathogenic (2). 1 of the submissions does not count toward it. Last evaluated 2025-01-09.

Conditions:
Autosomal recessive nonsyndromic hearing loss 9. Also called: OTOF-Related Hearing Loss; Deafness, autosomal recessive 9; NEUROSENSORY NONSYNDROMIC RECESSIVE DEAFNESS 9; AUDITORY NEUROPATHY, AUTOSOMAL RECESSIVE, 1, TEMPERATURE-SENSITIVE. Identifiers: Orphanet 90636, MedGen C1832828, MONDO:0010986, OMIM 601071.

gnomAD v4.1: 2 of 1,613,670 alleles (0.00012%); highest among the groups gnomAD compares: African/African-American, 0.0013%; no homozygotes.

Submissions (3):

Institute of Rare Diseases, West China Hospital, Sichuan University
Classification: Likely pathogenic for Autosomal recessive nonsyndromic hearing loss 9. Last evaluated: 2025-01-09. Review status: criteria provided, single submitter. Criteria: ClinGen HL ACMG Specifications v1. Collection method: research. Allele origin: germline. Affected: yes.
Comment: PVS1;PM2_Supporting

Juno Genomics, Hangzhou Juno Genomics, Inc
Classification: Likely pathogenic for Autosomal recessive nonsyndromic hearing loss 9. Review status: criteria provided, single submitter. Criteria: ACMG Guidelines, 2015. Collection method: clinical testing. Allele origin: germline.
Comment: Null variant in a gene where loss of function (LOF) is a known mechanism of disease.;Absent from controls (or at extremely low frequency if recessive) in Genome Aggregation Database.

Diagnosis and Treatment Center of Genetic Hearing Loss, Eye & ENT Hospital of Fudan University
Classification: Pathogenic for Autosomal recessive nonsyndromic hearing loss 9. Last evaluated: 2026-02-04. Review status: no assertion criteria provided. Collection method: clinical testing. Allele origin: germline. Inheritance: Autosomal recessive inheritance. Affected: yes. Not counted in ClinVar's aggregate classification.
Comment: The c.4091-1G>A splice acceptor variant in OTOF is predicted to disrupt splicing (PVS1). The population frequency is 0.000004 (PM2_Supporting). The phenotype is consistent (PP4).

NM_194248.3(OTOF):c.4091-1G>A

Gene: OTOF (otoferlin; minus strand). Cytogenetic location: 2p23.3.
Variant type: single nucleotide variant.
Coding change: c.4091-1G>A on transcript NM_194248.3 (MANE Select); the canonical splice acceptor site of the intron before coding-DNA position 4091, G replaced by A.
Molecular consequence: splice acceptor variant.
Genome position (GRCh38, 1-based): chr2:26,467,502, C>T on the plus strand (G>A on the coding strand, the complement: OTOF is on the minus strand). VCF-style: chr2-26467502-C-T. GRCh37 (hg19) VCF-style: chr2-26690370-C-T.
Other names: c.4091-1G>A (NM_001287489.2); c.1790-1G>A (NM_194323.3, NM_004802.4); c.2021-1G>A (NM_194322.3).
Identifiers: ClinVar variation 3601541 (VCV003601541.4).
Genomic context (GRCh38, chr2:26,467,502, plus strand): 5'-TCTTCTTCTCCTCTTTGGCAGCCCTTGCCTTCTCCTTGCCCTTCATTGACCCCTTCAGGC[C>T]TGGCCAGAAGCAGAAAAGGAGGTGGAGCAGAAATGAGCAGAGCAGGAAGGCCTGGATTCG-3'